The following is an entry in ClinVar:

NM_021008.4(DEAF1):c.979G>T (p.Ala327Ser)

Gene: DEAF1 (DEAF1 transcription factor; minus strand). Cytogenetic location: 11p15.5.
Variant type: single nucleotide variant.
Coding change: c.979G>T on transcript NM_021008.4 (MANE Select); coding-DNA position 979, G replaced by T.
Protein change: p.Ala327Ser; replaces alanine 327 with serine.
Molecular consequence: missense variant. On other transcripts: intron variant (1).
Genome position (GRCh38, 1-based): chr11:680,981, C>A on the plus strand (G>T on the coding strand, the complement: DEAF1 is on the minus strand). VCF-style: chr11-680981-C-A. GRCh37 (hg19) VCF-style: chr11-680981-C-A.
Other names: c.253G>T, p.Ala85Ser (NM_001367390.1, NM_001440885.1, NM_001440886.1 and 1 more transcripts); c.979G>T, p.Ala327Ser (NM_001440883.1, NM_001440884.1); c.731-1165G>T (NM_001293634.2); short protein forms A85S, A327S.
Identifiers: ClinVar variation 2085237 (VCV002085237.4), dbSNP rs574194648, ClinGen allele CA5786380.

ClinVar aggregate classification (germline): Uncertain significance (1 of 4 stars; one submission).

gnomAD v4.1: 2 of 1,614,018 alleles (0.00012%); highest among the groups gnomAD compares: African/African-American, 0.0027%; no homozygotes.

Submission:

Labcorp Genetics (formerly Invitae), Labcorp
Classification: Uncertain significance. Last evaluated: 2022-07-19. Review status: criteria provided, single submitter. Criteria: Invitae Variant Classification Sherloc (09022015). Collection method: clinical testing. Allele origin: germline.
Comment: This sequence change replaces alanine, which is neutral and non-polar, with serine, which is neutral and polar, at codon 327 of the DEAF1 protein (p.Ala327Ser). This variant is present in population databases (rs574194648, gnomAD 0.007%). This variant has not been reported in the literature in individuals affected with DEAF1-related conditions. Algorithms developed to predict the effect of missense changes on protein structure and function are either unavailable or do not agree on the potential impact of this missense change (SIFT: "Tolerated"; PolyPhen-2: "Possibly Damaging"; Align-GVGD: "Class C0"). In summary, the available evidence is currently insufficient to determine the role of this variant in disease. Therefore, it has been classified as a Variant of Uncertain Significance.